The following is an entry in ClinVar:

ClinVar aggregate classification (germline): Likely benign. Review status: criteria provided, multiple submitters, no conflicts (2 of 4 stars). 3 submissions from 3 submitters: Likely benign (2). 1 of the submissions does not count toward it. Last evaluated 2026-01-28.

Conditions:
COL9A3-related disorder. Also called: COL9A3-related condition.

Allele frequency attached by ClinVar (database versions not stated): ExAC 0.00004; gnomAD exomes 0.00010; gnomAD 0.00014 and 0.00015; TOPMed 0.00016; ESP Exome Variant Server 0.00031.
gnomAD v4.1: 159 of 1,604,890 alleles (0.0099%); highest among the groups gnomAD compares: Admixed American, 0.017%; no homozygotes.

Submissions (3):

Labcorp Genetics (formerly Invitae), Labcorp
Classification: Likely benign. Last evaluated: 2026-01-28. Review status: criteria provided, single submitter. Criteria: Invitae Variant Classification Sherloc (09022015). Collection method: clinical testing. Allele origin: germline.

Blueprint Genetics
Classification: Likely benign. Last evaluated: 2024-11-13. Review status: criteria provided, single submitter. Criteria: ACMG Guidelines, 2015. Collection method: clinical testing. Allele origin: germline.

PreventionGenetics, part of Exact Sciences
Classification: Likely benign for COL9A3-related condition. Last evaluated: 2023-09-11. Review status: no assertion criteria provided. Collection method: clinical testing. Allele origin: germline. Not counted in ClinVar's aggregate classification.
Comment: This variant is classified as likely benign based on ACMG/AMP sequence variant interpretation guidelines (Richards et al. 2015 PMID: 25741868, with internal and published modifications).

NM_001853.4(COL9A3):c.1107+15C>T

Gene: COL9A3 (collagen type IX alpha 3 chain; plus strand). Cytogenetic location: 20q13.33.
Variant type: single nucleotide variant.
Coding change: c.1107+15C>T on transcript NM_001853.4 (MANE Select); 15 bases into the intron after coding-DNA position 1107, C replaced by T.
Molecular consequence: intron variant.
Genome position (GRCh38, 1-based): chr20:62,829,696, C>T. VCF-style: chr20-62829696-C-T. GRCh37 (hg19) VCF-style: chr20-61461048-C-T.
Other names: c.1107+15C>T (LRG_1253t1).
Identifiers: ClinVar variation 1353525 (VCV001353525.9), dbSNP rs371755467, ClinGen allele CA9949750.